The following is an entry in ClinVar:

NM_001621.5(AHR):c.1319C>A (p.Ser440Tyr)

Gene: AHR (aryl hydrocarbon receptor; plus strand). Cytogenetic location: 7p21.1.
Variant type: single nucleotide variant.
Coding change: c.1319C>A on transcript NM_001621.5 (MANE Select); coding-DNA position 1319, C replaced by A.
Protein change: p.Ser440Tyr; replaces serine 440 with tyrosine.
Molecular consequence: missense variant.
Genome position (GRCh38, 1-based): chr7:17,339,144, C>A. VCF-style: chr7-17339144-C-A. GRCh37 (hg19) VCF-style: chr7-17378768-C-A.
Other names: short protein forms S440Y.
Identifiers: ClinVar variation 1465047 (VCV001465047.3), dbSNP rs775338539, ClinGen allele CA4172087.

ClinVar aggregate classification (germline): Uncertain significance (1 of 4 stars; one submission).

gnomAD v4.1: 46 of 1,614,068 alleles (0.0028%); highest among the groups gnomAD compares: Admixed American, 0.077%; no homozygotes.

Submission:

Labcorp Genetics (formerly Invitae), Labcorp
Classification: Uncertain significance. Last evaluated: 2022-09-07. Review status: criteria provided, single submitter. Criteria: Invitae Variant Classification Sherloc (09022015). Collection method: clinical testing. Allele origin: germline.
Comment: This sequence change replaces serine, which is neutral and polar, with tyrosine, which is neutral and polar, at codon 440 of the AHR protein (p.Ser440Tyr). This variant is present in population databases (rs775338539, gnomAD 0.1%). This variant has not been reported in the literature in individuals affected with AHR-related conditions. ClinVar contains an entry for this variant (Variation ID: 1465047). Algorithms developed to predict the effect of missense changes on protein structure and function (SIFT, PolyPhen-2, Align-GVGD) all suggest that this variant is likely to be tolerated. In summary, the available evidence is currently insufficient to determine the role of this variant in disease. Therefore, it has been classified as a Variant of Uncertain Significance.